The following is an entry in ClinVar:

ClinVar aggregate classification (germline): Uncertain significance. Review status: criteria provided, multiple submitters, no conflicts (2 of 4 stars). 3 submissions from 3 submitters: Uncertain significance (3). Last evaluated 2025-11-13.

Conditions:
KLC2-related disorder. Also called: KLC2-related condition.

Allele frequency attached by ClinVar (database versions not stated): gnomAD 0.00005; TOPMed 0.00006.

Submissions (3):

Labcorp Genetics (formerly Invitae), Labcorp
Classification: Uncertain significance. Last evaluated: 2025-11-13. Review status: criteria provided, single submitter. Criteria: Invitae Variant Classification Sherloc (09022015). Collection method: clinical testing. Allele origin: germline.
Comment: This sequence change replaces valine, which is neutral and non-polar, with leucine, which is neutral and non-polar, at codon 365 of the KLC2 protein (p.Val365Leu). This variant is present in population databases (rs759985873, gnomAD 0.009%). This variant has not been reported in the literature in individuals affected with KLC2-related conditions. ClinVar contains an entry for this variant (Variation ID: 2510626). An algorithm developed to predict the effect of missense changes on protein structure and function (PolyPhen-2) suggests that this variant is likely to be disruptive. In summary, the available evidence is currently insufficient to determine the role of this variant in disease. Therefore, it has been classified as a Variant of Uncertain Significance.

Ambry Genetics
Classification: Uncertain significance. Last evaluated: 2025-05-28. Review status: criteria provided, single submitter. Criteria: Ambry Variant Classification Scheme 2023. Collection method: clinical testing. Allele origin: germline.

PreventionGenetics, part of Exact Sciences
Classification: Uncertain significance for KLC2-related condition. Last evaluated: 2024-12-30. Review status: criteria provided, single submitter. Criteria: ACMG Guidelines, 2015. Collection method: clinical testing. Allele origin: germline.
Comment: The KLC2 c.862G>T variant is predicted to result in the amino acid substitution p.Val288Leu. To our knowledge, this variant has not been reported in the literature. This variant is reported in 0.0087% of alleles in individuals of European (Non-Finnish) descent in gnomAD. At this time, the clinical significance of this variant is uncertain due to the absence of conclusive functional and genetic evidence.

NM_001318734.2(KLC2):c.1093G>T (p.Val365Leu)

Genes: KLC2 (kinesin light chain 2; plus strand), KLC2-AS1 (KLC2 antisense RNA 1; minus strand). Cytogenetic location: 11q13.2.
Variant type: single nucleotide variant.
Coding change: c.1093G>T on transcript NM_001318734.2 (MANE Select); coding-DNA position 1093, G replaced by T.
Protein change: p.Val365Leu; replaces valine 365 with leucine.
Molecular consequence: missense variant.
Genome position (GRCh38, 1-based): chr11:66,264,196, G>T. VCF-style: chr11-66264196-G-T. GRCh37 (hg19) VCF-style: chr11-66031667-G-T.
Other names: c.1093G>T, p.Val365Leu (NM_022822.3, NM_001134775.2, NM_001134776.2); c.862G>T (NM_001134774.1); c.862G>T, p.Val288Leu (NM_001134774.2); short protein forms V288L, V365L.
Identifiers: ClinVar variation 2510626 (VCV002510626.5), dbSNP rs759985873, ClinGen allele CA6117287.